The following is an entry in ClinVar:

ClinVar aggregate classification (germline): Pathogenic/Likely pathogenic. Review status: criteria provided, multiple submitters, no conflicts (2 of 4 stars). 6 submissions from 6 submitters: Pathogenic (3); Likely pathogenic (1). 2 of the submissions do not count toward it. Last evaluated 2025-03-17.

Conditions:
PRPH2-related disorder. Also called: PRPH2-related disorders; PRPH2-related condition. Identifiers: MedGen CN239395.
Retinal dystrophy. Also called: Inherited retinal dystrophy. Identifiers: Orphanet 71862, MedGen C0854723, MeSH D058499, MONDO:0019118, HP:0000556.

Submissions (6):

Labcorp Genetics (formerly Invitae), Labcorp
Classification: Pathogenic for PRPH2-related disorder. Last evaluated: 2025-03-17. Review status: criteria provided, single submitter. Criteria: Invitae Variant Classification Sherloc (09022015). Collection method: clinical testing. Allele origin: germline.
Comment: This sequence change replaces proline, which is neutral and non-polar, with leucine, which is neutral and non-polar, at codon 210 of the PRPH2 protein (p.Pro210Leu). This variant is not present in population databases (gnomAD no frequency). This missense change has been observed in individuals with autosomal dominant retinitis pigmentosa (PMID: 11139241, 11485765, 16799052; internal data). ClinVar contains an entry for this variant (Variation ID: 98687). Invitae Evidence Modeling of protein sequence and biophysical properties (such as structural, functional, and spatial information, amino acid conservation, physicochemical variation, residue mobility, and thermodynamic stability) indicates that this missense variant is expected to disrupt PRPH2 protein function with a positive predictive value of 95%. Experimental studies have shown that this missense change affects PRPH2 function (PMID: 26796962). This variant disrupts the p.Pro210 amino acid residue in PRPH2. Other variant(s) that disrupt this residue have been determined to be pathogenic (PMID: 7862413, 11139241, 17504850). This suggests that this residue is clinically significant, and that variants that disrupt this residue are likely to be disease-causing. For these reasons, this variant has been classified as Pathogenic.

Dept Of Ophthalmology, Nagoya University
Classification: Pathogenic for Retinal dystrophy. Last evaluated: 2023-10-01. Review status: criteria provided, single submitter. Criteria: Submitter's publication. Collection method: research. Allele origin: germline. Affected: yes.

Institute of Human Genetics, Univ. Regensburg, Univ. Regensburg
Classification: Likely pathogenic for Retinal dystrophy. Last evaluated: 2022-01-01. Review status: criteria provided, single submitter. Criteria: ACMG Guidelines, 2015. Collection method: clinical testing. Allele origin: germline. Affected: yes.

Blueprint Genetics
Classification: Pathogenic for PRPH2-related disorders. Last evaluated: 2021-03-30. Review status: criteria provided, single submitter. Criteria: ACMG Guidelines, 2015. Collection method: clinical testing. Allele origin: germline. Affected: yes. Observed: 5 variant alleles.

Leiden Open Variation Database
Classification: Likely pathogenic. Last evaluated: 2021-04-06. Review status: no assertion criteria provided. Collection method: curation. Allele origin: germline. Affected: yes. Not counted in ClinVar's aggregate classification.
Comment: Curator: Global Variome, with Curator vacancy. Submitters to LOVD: Julia Lopez, Manon Peeters, Yoshito Koyanagi.

Retina International
No classification provided. Review status: no classification provided. Collection method: not provided. Allele origin: not provided. Not counted in ClinVar's aggregate classification.

Literature cited by the submitters: PubMed 11139241 (cited by Labcorp Genetics (formerly Invitae), Labcorp and Institute of Human Genetics, Univ. Regensburg, Univ. Regensburg); PubMed 11485765 (cited by 3 submitters); PubMed 16799052 (cited by Labcorp Genetics (formerly Invitae), Labcorp and Leiden Open Variation Database); PubMed 26796962 (cited by Labcorp Genetics (formerly Invitae), Labcorp and Institute of Human Genetics, Univ. Regensburg, Univ. Regensburg); PubMed 7862413 (cited by Labcorp Genetics (formerly Invitae), Labcorp); PubMed 17504850 (cited by Labcorp Genetics (formerly Invitae), Labcorp); PubMed 25412400 (cited by Institute of Human Genetics, Univ. Regensburg, Univ. Regensburg and Leiden Open Variation Database); PubMed 31213501 (cited by Institute of Human Genetics, Univ. Regensburg, Univ. Regensburg and Leiden Open Variation Database); PubMed 34411390 (cited by Institute of Human Genetics, Univ. Regensburg, Univ. Regensburg); PubMed 33957996 (cited by Institute of Human Genetics, Univ. Regensburg, Univ. Regensburg).

NM_000322.5(PRPH2):c.629C>T (p.Pro210Leu)

Gene: PRPH2 (peripherin 2; minus strand). Cytogenetic location: 6p21.1.
Variant type: single nucleotide variant.
Coding change: c.629C>T on transcript NM_000322.5 (MANE Select); coding-DNA position 629, C replaced by T.
Protein change: p.Pro210Leu; replaces proline 210 with leucine.
Molecular consequence: missense variant.
Genome position (GRCh38, 1-based): chr6:42,704,564, G>A on the plus strand (C>T on the coding strand, the complement: PRPH2 is on the minus strand). VCF-style: chr6-42704564-G-A. GRCh37 (hg19) VCF-style: chr6-42672302-G-A.
Other names: short protein forms P210L.
Identifiers: ClinVar variation 98687 (VCV000098687.11), dbSNP rs61755798, ClinGen allele CA226269.